The following is an entry in ClinVar:

ClinVar aggregate classification (germline): Uncertain significance (1 of 4 stars; one submission).

Conditions:
Emery-Dreifuss muscular dystrophy 4, autosomal dominant (EDMD4). Also called: EMERY-DREIFUSS MUSCULAR DYSTROPHY 4 WITH VARIABLE FEATURES. Identifiers: Orphanet 261, MedGen C2751807, MONDO:0013071, OMIM 612998.
Autosomal recessive ataxia, Beauce type. Also called: Spinocerebellar ataxia, autosomal recessive 8; ATAXIA, RECESSIVE, OF BEAUCE; SYNE1 Deficiency; SYNE1-Related Autosomal Recessive Cerebellar Ataxia. Identifiers: Orphanet 88644, MedGen C1853116, MONDO:0012549, OMIM 610743.

Submission:

Labcorp Genetics (formerly Invitae), Labcorp
Classification: Uncertain significance for Emery-Dreifuss muscular dystrophy 4, autosomal dominant; Autosomal recessive ataxia, Beauce type. Last evaluated: 2022-08-22. Review status: criteria provided, single submitter. Criteria: Invitae Variant Classification Sherloc (09022015). Collection method: clinical testing. Allele origin: germline.
Comment: Algorithms developed to predict the effect of missense changes on protein structure and function (SIFT, PolyPhen-2, Align-GVGD) all suggest that this variant is likely to be disruptive. This sequence change replaces alanine, which is neutral and non-polar, with serine, which is neutral and polar, at codon 2060 of the SYNE1 protein (p.Ala2060Ser). This variant is not present in population databases (gnomAD no frequency). This variant has not been reported in the literature in individuals affected with SYNE1-related conditions. ClinVar contains an entry for this variant (Variation ID: 1439789). In summary, the available evidence is currently insufficient to determine the role of this variant in disease. Therefore, it has been classified as a Variant of Uncertain Significance.

NM_182961.4(SYNE1):c.6157G>T (p.Ala2053Ser)

Gene: SYNE1 (spectrin repeat containing nuclear envelope protein 1; minus strand). Cytogenetic location: 6q25.2.
Variant type: single nucleotide variant.
Coding change: c.6157G>T on transcript NM_182961.4 (MANE Select); coding-DNA position 6157, G replaced by T.
Protein change: p.Ala2053Ser; replaces alanine 2053 with serine.
Molecular consequence: missense variant.
Genome position (GRCh38, 1-based): chr6:152,413,425, C>A on the plus strand (G>T on the coding strand, the complement: SYNE1 is on the minus strand). VCF-style: chr6-152413425-C-A. GRCh37 (hg19) VCF-style: chr6-152734560-C-A.
Other names: c.6178G>T, p.Ala2060Ser (NM_033071.5); short protein forms A2053S, A2060S.
Identifiers: ClinVar variation 1439789 (VCV001439789.6), dbSNP rs2154176994, ClinGen allele CA366129358.